The following is an entry in ClinVar:

ClinVar aggregate classification (germline): Uncertain significance (1 of 4 stars; one submission).

Conditions:
Interstitial lung disease due to ABCA3 deficiency. Also called: PULMONARY ALVEOLAR PROTEINOSIS, CONGENITAL, 3. Identifiers: Orphanet 440402, MedGen C1970456, MONDO:0012582, OMIM 610921.

Allele frequency attached by ClinVar (database versions not stated): gnomAD exomes below 0.00001 and 0.00001; TOPMed below 0.00001; ExAC 0.00001; gnomAD 0.00001.

Submission:

Johns Hopkins Genomics, Johns Hopkins University
Classification: Uncertain significance for Interstitial lung disease due to ABCA3 deficiency. Last evaluated: 2019-03-07. Review status: criteria provided, single submitter. Criteria: ACMG Guidelines, 2015. Collection method: clinical testing. Allele origin: germline.
Comment: This ABCA3 variant (rs747443485) is rare in large population datasets (gnomAD: 1/249380 total alleles; 0.0004010%; no homozygotes). This variant has not been reported in ClinVar nor the literature, to our knowledge. Of two bioinformatics tools queried, one predicts that this substitution would be benign, while the second predicts that it would be deleterious. Additionally, the histidine residue at position 804 is evolutionarily conserved across most species assessed. Bioinformatic analysis predicts that this variant would not affect normal exon 18 splicing, although this has not been confirmed experimentally to our knowledge. The clinical significance of c.2411A>G is uncertain at this time.

NM_001089.3(ABCA3):c.2411A>G (p.His804Arg)

Gene: ABCA3 (ATP binding cassette subfamily A member 3; minus strand). Cytogenetic location: 16p13.3.
Variant type: single nucleotide variant.
Coding change: c.2411A>G on transcript NM_001089.3 (MANE Select); coding-DNA position 2411, A replaced by G.
Protein change: p.His804Arg; replaces histidine 804 with arginine.
Molecular consequence: missense variant.
Genome position (GRCh38, 1-based): chr16:2,295,593, T>C on the plus strand (A>G on the coding strand, the complement: ABCA3 is on the minus strand). VCF-style: chr16-2295593-T-C. GRCh37 (hg19) VCF-style: chr16-2345594-T-C.
Other names: short protein forms H804R.
Identifiers: ClinVar variation 635556 (VCV000635556.1), dbSNP rs747443485, ClinGen allele CA7840840.